The following is an entry in ClinVar:

NM_194248.3(OTOF):c.2771A>G (p.Glu924Gly)

Gene: OTOF (otoferlin; minus strand). Cytogenetic location: 2p23.3.
Variant type: single nucleotide variant.
Coding change: c.2771A>G on transcript NM_194248.3 (MANE Select); coding-DNA position 2771, A replaced by G.
Protein change: p.Glu924Gly; replaces glutamic acid 924 with glycine.
Molecular consequence: missense variant.
Genome position (GRCh38, 1-based): chr2:26,476,223, T>C on the plus strand (A>G on the coding strand, the complement: OTOF is on the minus strand). VCF-style: chr2-26476223-T-C. GRCh37 (hg19) VCF-style: chr2-26699091-T-C.
Other names: c.2771A>G, p.Glu924Gly (NM_001287489.2); c.530A>G, p.Glu177Gly (NM_004802.4, NM_194323.3); c.701A>G, p.Glu234Gly (NM_194322.3); short protein forms E177G, E234G, E924G.
Identifiers: ClinVar variation 811332 (VCV000811332.8), dbSNP rs1471175454, ClinGen allele CA346115619.

ClinVar aggregate classification (germline): Uncertain significance (1 of 4 stars; one submission).

Allele frequency attached by ClinVar (database versions not stated): gnomAD exomes below 0.00001 and 0.00001; TOPMed below 0.00001; gnomAD 0.00002.
gnomAD v4.1: 7 of 1,609,190 alleles (0.00044%); highest among the groups gnomAD compares: African/African-American, 0.0053%; no homozygotes.

Submission:

ARUP Laboratories, Molecular Genetics and Genomics, ARUP Laboratories
Classification: Uncertain significance. Last evaluated: 2019-03-18. Review status: criteria provided, single submitter. Criteria: ARUP Molecular Germline Variant Investigation Process. Collection method: clinical testing. Allele origin: germline.
Comment: The OTOF c.2771A>G; p.Glu924Gly variant (rs1471175454), to our knowledge, has not been reported in the medical literature or gene specific databases. This variant is found in the general population with an overall allele frequency of 0.001% (3/276,888 alleles) in the Genome Aggregation Database. The glutamic acid at codon 924 is weakly conserved (Alamut v.2.11) and computational analyses (SIFT, PolyPhen-2) predict that this variant is tolerated. However, based on the available information, the clinical significance of this variant is uncertain.